The following is an entry in ClinVar:

ClinVar aggregate classification (germline): Conflicting classifications of pathogenicity. Review status: criteria provided, conflicting classifications (1 of 4 stars). 3 submissions from 3 submitters: Uncertain significance (1); Likely benign (2). Last evaluated 2025-12-22.

Conditions:
Dilated cardiomyopathy 1JJ (CMD1JJ). Identifiers: Orphanet 154, MedGen C3808935, MONDO:0014095, OMIM 615235.

Allele frequency attached by ClinVar (database versions not stated): TOPMed 0.00006; ESP Exome Variant Server 0.00008; gnomAD exomes 0.00013 and 0.00003; ExAC 0.00004; gnomAD 0.00006.
gnomAD v4.1: 190 of 1,574,326 alleles (0.012%); highest among the groups gnomAD compares: Non-Finnish European, 0.016%; no homozygotes.

Submissions (3):

Labcorp Genetics (formerly Invitae), Labcorp
Classification: Likely benign for Dilated cardiomyopathy 1JJ. Last evaluated: 2025-12-22. Review status: criteria provided, single submitter. Criteria: Invitae Variant Classification Sherloc (09022015). Collection method: clinical testing. Allele origin: germline.

Women's Health and Genetics/Laboratory Corporation of America, LabCorp
Classification: Uncertain significance. Last evaluated: 2025-03-22. Review status: criteria provided, single submitter. Criteria: LabCorp Variant Classification Summary - May 2015. Collection method: clinical testing. Allele origin: germline.

Laboratory for Molecular Medicine, Mass General Brigham Personalized Medicine
Classification: Likely benign. Last evaluated: 2015-10-01. Review status: criteria provided, single submitter. Criteria: LMM Criteria. Collection method: clinical testing. Allele origin: germline. Observed: 1 variant allele.
Comment: c.1168+8T>C in Intron 10 of LAMA4: This variant is not expected to have clinical significance because it is not located within the splice consensus sequence. It has been identified in 5/66632 European chromosomes by the Exome Aggregation Co nsortium (ExAC; dbSNP rs377133875).

NM_001105206.3(LAMA4):c.1189+8T>C

Gene: LAMA4 (laminin subunit alpha 4; minus strand). Cytogenetic location: 6q21.
Variant type: single nucleotide variant.
Coding change: c.1189+8T>C on transcript NM_001105206.3 (MANE Select); 8 bases into the intron after coding-DNA position 1189, T replaced by C.
Molecular consequence: intron variant.
Genome position (GRCh38, 1-based): chr6:112,178,113, A>G on the plus strand (T>C on the coding strand, the complement: LAMA4 is on the minus strand). VCF-style: chr6-112178113-A-G. GRCh37 (hg19) VCF-style: chr6-112499315-A-G.
Other names: c.1168+8T>C (NM_002290.5, NM_001105207.3).
Identifiers: ClinVar variation 227473 (VCV000227473.15), dbSNP rs377133875, ClinGen allele CA3965840.
Genomic context (GRCh38, chr6:112,178,113, plus strand): 5'-TGCCTACTGATGTTAATAACATAAGTGTTTCCTTGATATTAAACTGAACCAGAAGAGAAT[A>G]TATTTACCTTGGATTTTATCCCTCATATCATGGGCTTGCTCTACCAGCTGACTTGCGTGG-3'